The following is an entry in ClinVar:

ClinVar aggregate classification (germline): Uncertain significance (1 of 4 stars; one submission).

Conditions:
Dyskeratosis congenita. Identifiers: Orphanet 1775, MedGen C0265965, MONDO:0015780.

Submission:

Labcorp Genetics (formerly Invitae), Labcorp
Classification: Uncertain significance for Dyskeratosis congenita. Last evaluated: 2022-01-16. Review status: criteria provided, single submitter. Criteria: Invitae Variant Classification Sherloc (09022015). Collection method: clinical testing. Allele origin: germline.
Comment: This variant is not present in population databases (gnomAD no frequency). This variant has not been reported in the literature in individuals affected with TINF2-related conditions. ClinVar contains an entry for this variant (Variation ID: 1044589). Algorithms developed to predict the effect of missense changes on protein structure and function are either unavailable or do not agree on the potential impact of this missense change (SIFT: "Deleterious"; PolyPhen-2: "Possibly Damaging"; Align-GVGD: "Class C0"). In summary, the available evidence is currently insufficient to determine the role of this variant in disease. Therefore, it has been classified as a Variant of Uncertain Significance. This sequence change replaces valine, which is neutral and non-polar, with methionine, which is neutral and non-polar, at codon 67 of the TINF2 protein (p.Val67Met).

NM_001099274.3(TINF2):c.199G>A (p.Val67Met)

Gene: TINF2 (TERF1 interacting nuclear factor 2; minus strand). Cytogenetic location: 14q12.
Variant type: single nucleotide variant.
Coding change: c.199G>A on transcript NM_001099274.3 (MANE Select); coding-DNA position 199, G replaced by A.
Protein change: p.Val67Met; replaces valine 67 with methionine.
Molecular consequence: missense variant. On other transcripts: intron variant (1).
Genome position (GRCh38, 1-based): chr14:24,241,988, C>T on the plus strand (G>A on the coding strand, the complement: TINF2 is on the minus strand). VCF-style: chr14-24241988-C-T. GRCh37 (hg19) VCF-style: chr14-24711194-C-T.
Other names: c.199G>A, p.Val67Met (NM_012461.3); c.192+153G>A (NM_001363668.2); short protein forms V67M.
Identifiers: ClinVar variation 1044589 (VCV001044589.8), dbSNP rs2040591219, ClinGen allele CA389234581.
Genomic context (GRCh38, chr14:24,241,988, plus strand): 5'-AGTGGTGATTCAGGGCTTTCAGGACTTGGGCCCAAGGCCGGCCCTGCAGGATCAGCTCCA[C>T]CACCACCTGTACGGTACTGAATTCAGAATCCCCACTTCGGGGCAAGCTGACCTTTTCCAA-3'
Protein context (NP_001092744.1, residues 57-77): LCMGLKAKVV[Val67Met]ELILQGRPWA